The following is an entry in ClinVar:

ClinVar aggregate classification (germline): Uncertain significance (1 of 4 stars; one submission).

Conditions:
Chédiak-Higashi syndrome (CHS). Also called: Chediak-Higashi Syndrome. Identifiers: Orphanet 167, MedGen C0007965, MONDO:0008963, OMIM 214500.

Allele frequency attached by ClinVar (database versions not stated): gnomAD exomes below 0.00001; gnomAD 0.00001.
gnomAD v4.1: 3 of 1,613,926 alleles (0.00019%); highest among the groups gnomAD compares: African/African-American, 0.0027%; no homozygotes.

Submission:

Labcorp Genetics (formerly Invitae), Labcorp
Classification: Uncertain significance for Chédiak-Higashi syndrome. Last evaluated: 2024-05-06. Review status: criteria provided, single submitter. Criteria: Invitae Variant Classification Sherloc (09022015). Collection method: clinical testing. Allele origin: germline.
Comment: This sequence change replaces serine, which is neutral and polar, with leucine, which is neutral and non-polar, at codon 392 of the LYST protein (p.Ser392Leu). This variant is not present in population databases (gnomAD no frequency). This variant has not been reported in the literature in individuals affected with LYST-related conditions. ClinVar contains an entry for this variant (Variation ID: 1483031). Advanced modeling of protein sequence and biophysical properties (such as structural, functional, and spatial information, amino acid conservation, physicochemical variation, residue mobility, and thermodynamic stability) performed at Invitae indicates that this missense variant is not expected to disrupt LYST protein function with a negative predictive value of 80%. In summary, the available evidence is currently insufficient to determine the role of this variant in disease. Therefore, it has been classified as a Variant of Uncertain Significance.

NM_000081.4(LYST):c.1175C>T (p.Ser392Leu)

Gene: LYST (lysosomal trafficking regulator; minus strand). Cytogenetic location: 1q42.3.
Variant type: single nucleotide variant.
Coding change: c.1175C>T on transcript NM_000081.4 (MANE Select); coding-DNA position 1175, C replaced by T.
Protein change: p.Ser392Leu; replaces serine 392 with leucine.
Molecular consequence: missense variant.
Genome position (GRCh38, 1-based): chr1:235,809,643, G>A on the plus strand (C>T on the coding strand, the complement: LYST is on the minus strand). VCF-style: chr1-235809643-G-A. GRCh37 (hg19) VCF-style: chr1-235972943-G-A.
Other names: c.1175C>T, p.Ser392Leu (NM_001301365.1); short protein forms S392L.
Identifiers: ClinVar variation 1483031 (VCV001483031.5), dbSNP rs1177806395, ClinGen allele CA344962992.
Genomic context (GRCh38, chr1:235,809,643, plus strand): 5'-AGAATCTGAAGAACTCCTTCCAAAAGCTCAGGTAAAAGAAGGGCTCTATGACGATACTTT[G>A]AAAACACAAAATCTTCCTGAACCTCCTGCAGTGTTTTCTTTTGTCTTGGTGCAAAAGGGT-3'
Protein context (NP_000072.2, residues 382-402): LQEVQEDFVF[Ser392Leu]KYRHRALLLP